The following is an entry in ClinVar:

NM_006031.6(PCNT):c.4463G>T (p.Arg1488Leu)

Gene: PCNT (pericentrin; plus strand). Cytogenetic location: 21q22.3.
Variant type: single nucleotide variant.
Coding change: c.4463G>T on transcript NM_006031.6 (MANE Select); coding-DNA position 4463, G replaced by T.
Protein change: p.Arg1488Leu; replaces arginine 1488 with leucine.
Molecular consequence: missense variant.
Genome position (GRCh38, 1-based): chr21:46,398,030, G>T. VCF-style: chr21-46398030-G-T. GRCh37 (hg19) VCF-style: chr21-47817944-G-T.
Other names: c.4109G>T, p.Arg1370Leu (NM_001315529.2); short protein forms R1370L, R1488L.
Identifiers: ClinVar variation 3696147 (VCV003696147.2).
Genomic context (GRCh38, chr21:46,398,030, plus strand): 5'-CCAGCCCCGTTGGGGTGGTCCCAACACGCTGCCTCTCCTCCCAGGAGCAGGCAGCCGAGC[G>T]GGAGCACGAGCGCGAGGAGTTCCAGCAGGAGATTCAGAGGCTGGAGGGGCAGCTCCGCCA-3'
Protein context (NP_006022.3, residues 1478-1498): RQFMDEQAAE[Arg1488Leu]EHEREEFQQE

ClinVar aggregate classification (germline): Uncertain significance (1 of 4 stars; one submission).

Submission:

Labcorp Genetics (formerly Invitae), Labcorp
Classification: Uncertain significance. Last evaluated: 2025-01-28. Review status: criteria provided, single submitter. Criteria: Invitae Variant Classification Sherloc (09022015). Collection method: clinical testing. Allele origin: germline.
Comment: This sequence change replaces arginine, which is basic and polar, with leucine, which is neutral and non-polar, at codon 1488 of the PCNT protein (p.Arg1488Leu). The frequency data for this variant in the population databases is considered unreliable, as metrics indicate poor data quality at this position in the gnomAD database. This variant has not been reported in the literature in individuals affected with PCNT-related conditions. An algorithm developed to predict the effect of missense changes on protein structure and function (PolyPhen-2) suggests that this variant is likely to be disruptive. In summary, the available evidence is currently insufficient to determine the role of this variant in disease. Therefore, it has been classified as a Variant of Uncertain Significance.